The following is an entry in ClinVar:

ClinVar aggregate classification (germline): Benign/Likely benign. Review status: criteria provided, multiple submitters, no conflicts (2 of 4 stars). 3 submissions from 3 submitters: Benign (1); Likely benign (2). Last evaluated 2026-01-26.

Conditions:
Desbuquois dysplasia 1 (DBQD1). Also called: MICROMELIC DWARFISM WITH VERTEBRAL AND METAPHYSEAL ABNORMALITIES AND ADVANCED CARPOTARSAL OSSIFICATION; DESBUQUOIS DYSPLASIA 1, KIM VARIANT. Identifiers: Orphanet 1425, MedGen C4012146, MONDO:0009629, OMIM 251450.

Allele frequency attached by ClinVar (database versions not stated): gnomAD exomes 0.00153; ExAC 0.00161; ESP Exome Variant Server 0.00277; gnomAD 0.00293 and 0.00304; TOPMed 0.00351; 1000 Genomes Project 0.00439; 1000 Genomes Project 30x 0.00468.
gnomAD v4.1: 1,545 of 1,606,634 alleles (0.096%); highest among the groups gnomAD compares: African/African-American, 0.7%; 5 homozygotes.

Submissions (3):

Labcorp Genetics (formerly Invitae), Labcorp
Classification: Benign for Desbuquois dysplasia 1. Last evaluated: 2026-01-26. Review status: criteria provided, single submitter. Criteria: Invitae Variant Classification Sherloc (09022015). Collection method: clinical testing. Allele origin: germline.

CeGaT Center for Human Genetics Tuebingen
Classification: Likely benign. Last evaluated: 2025-04-01. Review status: criteria provided, single submitter. Criteria: CeGaT Center For Human Genetics Tuebingen Variant Classification Criteria Version 2. Collection method: clinical testing. Allele origin: germline. Affected: yes. Observed: 1 variant allele.
Comment: XYLT1: BP4, BP7

Blueprint Genetics
Classification: Likely benign. Last evaluated: 2024-11-27. Review status: criteria provided, single submitter. Criteria: ACMG Guidelines, 2015. Collection method: clinical testing. Allele origin: germline.

NM_022166.4(XYLT1):c.2226C>T (p.Val742=)

Gene: XYLT1 (xylosyltransferase 1; minus strand). Cytogenetic location: 16p12.3.
Variant type: single nucleotide variant.
Coding change: c.2226C>T on transcript NM_022166.4 (MANE Select); coding-DNA position 2226, C replaced by T.
Protein change: p.Val742=; no amino-acid change (valine 742 retained).
Molecular consequence: synonymous variant.
Genome position (GRCh38, 1-based): chr16:17,117,977, G>A on the plus strand (C>T on the coding strand, the complement: XYLT1 is on the minus strand). VCF-style: chr16-17117977-G-A. GRCh37 (hg19) VCF-style: chr16-17211834-G-A.
Identifiers: ClinVar variation 715415 (VCV000715415.19), dbSNP rs139693964, ClinGen allele CA7927622.
Genomic context (GRCh38, chr16:17,117,977, plus strand): 5'-GGGCCCCAGAAGACCCCCAAAGTTGCGGAATAGCCTCTCCTTGGCATCCCAGTCAGTGCC[G>A]ACCTGAAACAGGGGAGTGAATTCTGAAGTCACTGGGCCTGAACTAGGGGGCTAGGTCTCA-3'
Protein context (NP_071449.1, residues 732-752): SDFGRLQFSE[Val742=]GTDWDAKERL